The following is an entry in ClinVar:

NM_000268.4(NF2):c.740A>G (p.Glu247Gly)

Gene: NF2 (NF2, moesin-ezrin-radixin like (MERLIN) tumor suppressor; plus strand). Cytogenetic location: 22q12.2.
Variant type: single nucleotide variant.
Coding change: c.740A>G on transcript NM_000268.4 (MANE Select); coding-DNA position 740, A replaced by G.
Protein change: p.Glu247Gly; replaces glutamic acid 247 with glycine.
Molecular consequence: missense variant. On other transcripts: non-coding transcript variant (1), intron variant (4).
Genome position (GRCh38, 1-based): chr22:29,661,269, A>G. VCF-style: chr22-29661269-A-G. GRCh37 (hg19) VCF-style: chr22-30057258-A-G.
Other names: c.626A>G, p.Glu209Gly (NM_001407053.1, NM_001407056.1); c.617A>G, p.Glu206Gly (NM_001407054.1, NM_001407058.1, NM_181829.3); c.614A>G, p.Glu205Gly (NM_001407055.1, NM_181828.3); c.740A>G, p.Glu247Gly (NM_001407060.1, NM_001407066.1, NM_016418.5 and 2 more transcripts); c.491A>G, p.Glu164Gly (NM_001407063.1, NM_001407064.1, NM_181830.3 and 1 more transcripts); c.206A>G, p.Glu69Gly (NM_001407065.1); c.509A>G, p.Glu170Gly (NM_001407067.1); c.675+3005A>G (NM_001407059.1, NM_001407057.1); and 2 more; short protein forms E205G, E247G, E164G, E209G, E69G, E170G, E206G.
Identifiers: ClinVar variation 2568069 (VCV002568069.2), dbSNP rs2147009294, ClinGen allele CA411143867.
Genomic context (GRCh38, chr22:29,661,269, plus strand): 5'-AAAAGGGCACAGAGCTGCTGCTTGGAGTGGATGCCCTGGGGCTTCACATTTATGACCCTG[A>G]GAACAGACTGACCCCCAAGATCTCCTTCCCGTGGAATGAAATCCGAAACATCTCGTACAG-3'
Protein context (NP_000259.1, residues 237-257): DALGLHIYDP[Glu247Gly]NRLTPKISFP

ClinVar aggregate classification (germline): Uncertain significance (1 of 4 stars; one submission).

Conditions:
Hereditary cancer-predisposing syndrome. Also called: Hereditary neoplastic syndrome; Hereditary Cancer Syndrome; Neoplastic Syndromes, Hereditary; Tumor predisposition. Identifiers: Orphanet 140162, MedGen C0027672, MeSH D009386, MONDO:0015356.

Submission:

Ambry Genetics
Classification: Uncertain significance for Hereditary cancer-predisposing syndrome. Last evaluated: 2023-05-07. Review status: criteria provided, single submitter. Criteria: Ambry Variant Classification Scheme 2023. Collection method: clinical testing. Allele origin: germline.
Comment: The p.E247G variant (also known as c.740A>G), located in coding exon 8 of the NF2 gene, results from an A to G substitution at nucleotide position 740. The glutamic acid at codon 247 is replaced by glycine, an amino acid with similar properties. This amino acid position is conserved. In addition, the in silico prediction for this alteration is inconclusive. Since supporting evidence is limited at this time, the clinical significance of this alteration remains unclear.